The following is an entry in ClinVar:

NM_002474.3(MYH11):c.405G>A (p.Ser135=)

Gene: MYH11 (myosin heavy chain 11; minus strand). Cytogenetic location: 16p13.11.
Variant type: single nucleotide variant.
Coding change: c.405G>A on transcript NM_002474.3 (MANE Select); coding-DNA position 405, G replaced by A.
Protein change: p.Ser135=; no amino-acid change (serine 135 retained).
Molecular consequence: synonymous variant.
Genome position (GRCh38, 1-based): chr16:15,823,352, C>T on the plus strand (G>A on the coding strand, the complement: MYH11 is on the minus strand). VCF-style: chr16-15823352-C-T. GRCh37 (hg19) VCF-style: chr16-15917209-C-T.
Other names: c.405G>A, p.Ser135= (NM_001040113.2, NM_001040114.2, NM_022844.3).
Identifiers: ClinVar variation 378198 (VCV000378198.95), dbSNP rs375649016, ClinGen allele CA7923054.

ClinVar aggregate classification (germline): Likely benign. Review status: criteria provided, multiple submitters, no conflicts (2 of 4 stars). 8 submissions from 8 submitters: Likely benign (8). Last evaluated 2025-12-20.

Conditions:
Familial thoracic aortic aneurysm and aortic dissection (TAAD). Also called: Thoracic aortic aneurysms and dissections. Identifiers: Orphanet 91387, MedGen C4707243, MONDO:0019625.
Aortic aneurysm, familial thoracic 4 (AAT4). Also called: AORTIC ANEURYSM/AORTIC DISSECTION AND PATENT DUCTUS ARTERIOSUS. Identifiers: MedGen C1851504, MONDO:0007568, OMIM 132900.

Allele frequency attached by ClinVar (database versions not stated): ExAC 0.00003; gnomAD exomes 0.00004; TOPMed 0.00007; ESP Exome Variant Server 0.00008; gnomAD 0.00010 and 0.00011.
gnomAD v4.1: 84 of 1,614,010 alleles (0.0052%); highest among the groups gnomAD compares: Non-Finnish European, 0.0064%; no homozygotes.

Submissions (8):

Labcorp Genetics (formerly Invitae), Labcorp
Classification: Likely benign for Aortic aneurysm, familial thoracic 4. Last evaluated: 2025-12-20. Review status: criteria provided, single submitter. Criteria: Invitae Variant Classification Sherloc (09022015). Collection method: clinical testing. Allele origin: germline.

Blueprint Genetics
Classification: Likely benign. Last evaluated: 2024-11-07. Review status: criteria provided, single submitter. Criteria: ACMG Guidelines, 2015. Collection method: clinical testing. Allele origin: germline.

All of Us Research Program, National Institutes of Health
Classification: Likely benign for Familial thoracic aortic aneurysm and aortic dissection. Last evaluated: 2024-02-05. Review status: criteria provided, single submitter. Criteria: ACMG Guidelines, 2015. Collection method: clinical testing. Allele origin: germline. Inheritance: Autosomal dominant inheritance. Observed: 26 variant alleles, 26 heterozygotes.
Comment: This synonymous variant does not change the amino acid sequence of the MYH11 protein. However, splice prediction tools suggest that this variant may disrupt RNA splicing. To our knowledge, RNA studies have not been reported for this variant. This variant has not been reported in individuals affected with cardiovascular disorders in the literature. This variant has been identified in 15/282896 chromosomes in the general population by the Genome Aggregation Database (gnomAD). The available evidence is insufficient to determine the role of this variant in disease conclusively. Therefore, this variant is classified as a Variant of Uncertain Significance.

This study involves interpretation of variants in research participants for the purpose of population health screening. Participant phenotype was not available at the time of variant classification. Additional details can be found in publication PMID: 35346344, PMCID: PMC8962531

Color Diagnostics, LLC DBA Color Health
Classification: Likely benign for Familial thoracic aortic aneurysm and aortic dissection. Last evaluated: 2023-03-15. Review status: criteria provided, single submitter. Criteria: ACMG Guidelines, 2015. Collection method: clinical testing. Allele origin: germline.

Women's Health and Genetics/Laboratory Corporation of America, LabCorp
Classification: Likely benign. Last evaluated: 2023-01-09. Review status: criteria provided, single submitter. Criteria: LabCorp Variant Classification Summary - May 2015. Collection method: clinical testing. Allele origin: germline.

CeGaT Center for Human Genetics Tuebingen
Classification: Likely benign. Last evaluated: 2022-05-01. Review status: criteria provided, single submitter. Criteria: CeGaT Center For Human Genetics Tuebingen Variant Classification Criteria Version 2. Collection method: clinical testing. Allele origin: germline. Affected: yes. Observed: 1 variant allele.
Comment: MYH11: BP4, BP7

Ambry Genetics
Classification: Likely benign for Familial thoracic aortic aneurysm and aortic dissection. Last evaluated: 2022-04-03. Review status: criteria provided, single submitter. Criteria: Ambry Variant Classification Scheme 2023. Collection method: clinical testing. Allele origin: germline.

GeneDx
Classification: Likely benign. Last evaluated: 2020-03-11. Review status: criteria provided, single submitter. Criteria: GeneDx Variant Classification Process June 2021. Collection method: clinical testing. Allele origin: germline. Affected: yes.